The following is an entry in ClinVar:

ClinVar aggregate classification (germline): Uncertain significance (1 of 4 stars; one submission).

Conditions:
Epileptic encephalopathy. Identifiers: MedGen C0543888, HP:0200134.

Allele frequency attached by ClinVar (database versions not stated): gnomAD 0.00001; TOPMed 0.00002.
gnomAD v4.1: 15 of 1,613,802 alleles (0.00093%); highest among the groups gnomAD compares: South Asian, 0.0033%; no homozygotes.

Submission:

Labcorp Genetics (formerly Invitae), Labcorp
Classification: Uncertain significance for Epileptic encephalopathy. Last evaluated: 2021-08-30. Review status: criteria provided, single submitter. Criteria: Invitae Variant Classification Sherloc (09022015). Collection method: clinical testing. Allele origin: germline.
Comment: This sequence change replaces valine with methionine at codon 1407 of the RYR3 protein (p.Val1407Met). The valine residue is highly conserved and there is a small physicochemical difference between valine and methionine. This variant is not present in population databases (ExAC no frequency). This variant has not been reported in the literature in individuals affected with RYR3-related conditions. Algorithms developed to predict the effect of missense changes on protein structure and function are either unavailable or do not agree on the potential impact of this missense change (SIFT: "Deleterious"; PolyPhen-2: "Probably Damaging"; Align-GVGD: "Class C0"). In summary, the available evidence is currently insufficient to determine the role of this variant in disease. Therefore, it has been classified as a Variant of Uncertain Significance.

NM_001036.6(RYR3):c.4219G>A (p.Val1407Met)

Gene: RYR3 (ryanodine receptor 3; plus strand). Cytogenetic location: 15q14.
Variant type: single nucleotide variant.
Coding change: c.4219G>A on transcript NM_001036.6 (MANE Select); coding-DNA position 4219, G replaced by A.
Protein change: p.Val1407Met; replaces valine 1407 with methionine.
Molecular consequence: missense variant.
Genome position (GRCh38, 1-based): chr15:33,652,794, G>A. VCF-style: chr15-33652794-G-A. GRCh37 (hg19) VCF-style: chr15-33944995-G-A.
Other names: c.4219G>A, p.Val1407Met (NM_001243996.4); short protein forms V1407M.
Identifiers: ClinVar variation 461911 (VCV000461911.6), dbSNP rs1430659504, ClinGen allele CA391578866.